The following is an entry in ClinVar:

ClinVar aggregate classification (germline): Uncertain significance (1 of 4 stars; one submission).

Allele frequency attached by ClinVar (database versions not stated): ExAC 0.00001; gnomAD 0.00001; gnomAD exomes 0.00001 and 0.00002; TOPMed 0.00002.
gnomAD v4.1: 27 of 1,612,666 alleles (0.0017%); highest among the groups gnomAD compares: Non-Finnish European, 0.0023%; no homozygotes.

Submission:

Labcorp Genetics (formerly Invitae), Labcorp
Classification: Uncertain significance. Last evaluated: 2022-09-19. Review status: criteria provided, single submitter. Criteria: Invitae Variant Classification Sherloc (09022015). Collection method: clinical testing. Allele origin: germline.
Comment: This sequence change replaces proline, which is neutral and non-polar, with serine, which is neutral and polar, at codon 1181 of the SI protein (p.Pro1181Ser). The frequency data for this variant in the population databases is considered unreliable, as metrics indicate poor data quality at this position in the gnomAD database. This variant has not been reported in the literature in individuals affected with SI-related conditions. ClinVar contains an entry for this variant (Variation ID: 1369505). Advanced modeling of protein sequence and biophysical properties (such as structural, functional, and spatial information, amino acid conservation, physicochemical variation, residue mobility, and thermodynamic stability) has been performed at Invitae for this missense variant, however the output from this modeling did not meet the statistical confidence thresholds required to predict the impact of this variant on SI protein function. In summary, the available evidence is currently insufficient to determine the role of this variant in disease. Therefore, it has been classified as a Variant of Uncertain Significance.

NM_001041.4(SI):c.3541C>T (p.Pro1181Ser)

Gene: SI (sucrase-isomaltase; minus strand). Cytogenetic location: 3q26.1.
Variant type: single nucleotide variant.
Coding change: c.3541C>T on transcript NM_001041.4 (MANE Select); coding-DNA position 3541, C replaced by T.
Protein change: p.Pro1181Ser; replaces proline 1181 with serine.
Molecular consequence: missense variant.
Genome position (GRCh38, 1-based): chr3:165,017,853, G>A on the plus strand (C>T on the coding strand, the complement: SI is on the minus strand). VCF-style: chr3-165017853-G-A. GRCh37 (hg19) VCF-style: chr3-164735641-G-A.
Other names: short protein forms P1181S.
Identifiers: ClinVar variation 1369505 (VCV001369505.5), dbSNP rs751839993, ClinGen allele CA2690223.
Genomic context (GRCh38, chr3:165,017,853, plus strand): 5'-TTGGGCCCAAAAACATATAAAAATCCAAGATCCCTCCAACTGTACGGTAAGTTAGAGCAG[G>A]AGTTGGCTGGAATGTAACATCTGGAAATCCAAAATAACATCCCATTTTCATCTATGTATA-3'
Protein context (NP_001032.2, residues 1171-1191): NAMDVTFQPT[Pro1181Ser]ALTYRTVGGI